The following is an entry in ClinVar:

NM_198253.3(TERT):c.1865G>A (p.Arg622His)

Gene: TERT (telomerase reverse transcriptase; minus strand). Cytogenetic location: 5p15.33.
Variant type: single nucleotide variant.
Coding change: c.1865G>A on transcript NM_198253.3 (MANE Select); coding-DNA position 1865, G replaced by A.
Protein change: p.Arg622His; replaces arginine 622 with histidine.
Molecular consequence: missense variant. On other transcripts: non-coding transcript variant (2).
Genome position (GRCh38, 1-based): chr5:1,280,243, C>T on the plus strand (G>A on the coding strand, the complement: TERT is on the minus strand). VCF-style: chr5-1280243-C-T. GRCh37 (hg19) VCF-style: chr5-1280358-C-T.
Other names: c.1865G>A, p.Arg622His (NM_001193376.3); short protein forms R622H.
Identifiers: ClinVar variation 3758039 (VCV003758039.4).
Genomic context (GRCh38, chr5:1,280,243, plus strand): 5'-GCTCCCACGACGTAGTCCATGTTCACAATCGGCCGCAGCCCGTCAGGCTTGGGGATGAAG[C>T]GGAGTCTGGACGTCAGCAGGGCGGGCCTGGCTTCCCGATGCTGCCTGACCTCTGCTTCCG-3'
Protein context (NP_937983.2, residues 612-632): ARPALLTSRL[Arg622His]FIPKPDGLRP

ClinVar aggregate classification (germline): Uncertain significance. Review status: criteria provided, multiple submitters, no conflicts (2 of 4 stars). 3 submissions from 3 submitters: Uncertain significance (3). Last evaluated 2025-12-22.

Conditions:
Idiopathic Pulmonary Fibrosis. Also called: Idiopathic fibrosing alveolitis, chronic form; idiopathic fibrosing alveolitis. Identifiers: Orphanet 2032, MedGen C1800706, MeSH D054990, MONDO:0800504.
Dyskeratosis congenita, autosomal dominant 2. Identifiers: MedGen C3151443, MONDO:0013521, OMIM 613989.
Dyskeratosis congenita. Identifiers: Orphanet 1775, MedGen C0265965, MONDO:0015780.

gnomAD v4.1: 1 of 1,613,886 alleles (0.000062%); no homozygotes.

Submissions (3):

Ambry Genetics
Classification: Uncertain significance for Dyskeratosis congenita. Last evaluated: 2025-12-22. Review status: criteria provided, single submitter. Criteria: Ambry Variant Classification Scheme 2023. Collection method: clinical testing. Allele origin: germline.
Comment: The p.R622H variant (also known as c.1865G>A), located in coding exon 4 of the TERT gene, results from a G to A substitution at nucleotide position 1865. The arginine at codon 622 is replaced by histidine, an amino acid with highly similar properties. This variant was reported in individual(s) with features consistent with TERT-related disorder (Reilly CR et al. Blood, 2021 Sep;138:898-911, Dai J et al. Respirology, 2015 Jan;20:122-8). The variant was observed in an individual with myelodysplastic syndrome (MDS) and was observed to have severely reduced telomere elongation capacity by a functional assay (Reilly CR et al. Blood, 2021 Sep;138:898-911). This amino acid position is highly conserved in available vertebrate species. In addition, this alteration is predicted to be deleterious by in silico analysis. Based on the available evidence, the clinical significance of this variant remains unclear.

Labcorp Genetics (formerly Invitae), Labcorp
Classification: Uncertain significance for Dyskeratosis congenita, autosomal dominant 2; Idiopathic Pulmonary Fibrosis. Last evaluated: 2024-11-27. Review status: criteria provided, single submitter. Criteria: Invitae Variant Classification Sherloc (09022015). Collection method: clinical testing. Allele origin: germline.
Comment: This sequence change replaces arginine, which is basic and polar, with histidine, which is basic and polar, at codon 622 of the TERT protein (p.Arg622His). This variant is not present in population databases (gnomAD no frequency). This missense change has been observed in individual(s) with pulmonary fibrosis (PMID: 25346280). Invitae Evidence Modeling of protein sequence and biophysical properties (such as structural, functional, and spatial information, amino acid conservation, physicochemical variation, residue mobility, and thermodynamic stability) indicates that this missense variant is expected to disrupt TERT protein function with a positive predictive value of 95%. Experimental studies have shown that this missense change affects TERT function (PMID: 34019641). In summary, the available evidence is currently insufficient to determine the role of this variant in disease. Therefore, it has been classified as a Variant of Uncertain Significance.

Blueprint Genetics
Classification: Uncertain significance. Last evaluated: 2023-10-19. Review status: criteria provided, single submitter. Criteria: ACMG Guidelines, 2015. Collection method: clinical testing. Allele origin: germline.

Literature cited by the submitters: PubMed 25346280 (cited by Ambry Genetics and Labcorp Genetics (formerly Invitae), Labcorp); PubMed 34019641 (cited by Ambry Genetics and Labcorp Genetics (formerly Invitae), Labcorp).